The following is an entry in ClinVar:

ClinVar aggregate classification (germline): Uncertain significance (1 of 4 stars; one submission).

Conditions:
Cardiovascular phenotype. Identifiers: MedGen CN230736.

Allele frequency attached by ClinVar (database versions not stated): TOPMed 0.00001.

Submission:

Ambry Genetics
Classification: Uncertain significance for Cardiovascular phenotype. Last evaluated: 2022-08-24. Review status: criteria provided, single submitter. Criteria: Ambry Variant Classification Scheme 2023. Collection method: clinical testing. Allele origin: germline.
Comment: The p.T180M variant (also known as c.539C>T), located in coding exon 1 of the KCND3 gene, results from a C to T substitution at nucleotide position 539. The threonine at codon 180 is replaced by methionine, an amino acid with similar properties. This amino acid position is conserved. In addition, this alteration is predicted to be deleterious by in silico analysis. Since supporting evidence is limited at this time, the clinical significance of this alteration remains unclear.

NM_001378969.1(KCND3):c.539C>T (p.Thr180Met)

Gene: KCND3 (potassium voltage-gated channel subfamily D member 3; minus strand). Cytogenetic location: 1p13.2.
Variant type: single nucleotide variant.
Coding change: c.539C>T on transcript NM_001378969.1 (MANE Select); coding-DNA position 539, C replaced by T.
Protein change: p.Thr180Met; replaces threonine 180 with methionine.
Molecular consequence: missense variant.
Genome position (GRCh38, 1-based): chr1:111,982,188, G>A on the plus strand (C>T on the coding strand, the complement: KCND3 is on the minus strand). VCF-style: chr1-111982188-G-A. GRCh37 (hg19) VCF-style: chr1-112524810-G-A.
Other names: c.539C>T, p.Thr180Met (NM_001378970.1, NM_004980.5, NM_172198.3); short protein forms T180M.
Identifiers: ClinVar variation 1747270 (VCV001747270.2), dbSNP rs1203819200, ClinGen allele CA341821904.